The following is an entry in ClinVar:

NM_206926.2(SELENON):c.379C>T (p.Arg127Ter)

Gene: SELENON (selenoprotein N; plus strand). Cytogenetic location: 1p36.11.
Variant type: single nucleotide variant.
Coding change: c.379C>T on transcript NM_206926.2 (MANE Select); coding-DNA position 379, C replaced by T.
Protein change: p.Arg127Ter; replaces arginine 127 with a stop codon.
Molecular consequence: nonsense.
Genome position (GRCh38, 1-based): chr1:25,805,219, C>T. VCF-style: chr1-25805219-C-T. GRCh37 (hg19) VCF-style: chr1-26131710-C-T.
Other names: NM_020451.3(SELENON):c.481C>T; p.Arg161Ter; c.481C>T, p.Arg161Ter (NM_020451.3); short protein forms R127*, R161*.
Identifiers: ClinVar variation 837936 (VCV000837936.12), dbSNP rs778603129, ClinGen allele CA696513.
Genomic context (GRCh38, chr1:25,805,219, plus strand): 5'-AGCTGCGAGGAGGAGGAGTTGCCCCCTGACCCTAGCGAGGAGACGCTCACCATAGAAGCC[C>T]GATTCCAGCCTCTGCTCCCGGAGACCATGACCAAGAGCAAAGATGGCTTCCTAGGGGTGA-3'

ClinVar aggregate classification (germline): Pathogenic/Likely pathogenic. Review status: criteria provided, multiple submitters, no conflicts (2 of 4 stars). 5 submissions from 5 submitters: Pathogenic (2); Likely pathogenic (3). Last evaluated 2025-09-02.

Conditions:
Eichsfeld type congenital muscular dystrophy (CMYO3). Also called: MYOPATHY, SEPN1-RELATED; SELENON-related myopathy; Congenital myopathy 3 with rigid spine; Rigid spine muscular dystrophy 1. Identifiers: MedGen C0410180, MONDO:0100100, OMIM 602771.
Congenital myopathy with fiber type disproportion. Also called: Congenital fiber-type disproportion myopathy; Congenital fiber-type disproportion. Identifiers: Orphanet 2020, MedGen C0546264, MONDO:0009711. Inheritance: all.

Allele frequency attached by ClinVar (database versions not stated): TOPMed 0.00001; ExAC 0.00002; gnomAD exomes 0.00002; gnomAD 0.00001.
gnomAD v4.1: 20 of 1,614,034 alleles (0.0012%); highest among the groups gnomAD compares: South Asian, 0.0022%; no homozygotes.

Submissions (5):

Labcorp Genetics (formerly Invitae), Labcorp
Classification: Pathogenic for Eichsfeld type congenital muscular dystrophy. Last evaluated: 2025-09-02. Review status: criteria provided, single submitter. Criteria: Invitae Variant Classification Sherloc (09022015). Collection method: clinical testing. Allele origin: germline.
Comment: This sequence change creates a premature translational stop signal (p.Arg161*) in the SELENON gene. It is expected to result in an absent or disrupted protein product. Loss-of-function variants in SELENON are known to be pathogenic (PMID: 21131290, 21670436). This variant is present in population databases (rs778603129, gnomAD 0.01%). This premature translational stop signal has been observed in individual(s) with dilated cardiomyopathy (PMID: 32746448). ClinVar contains an entry for this variant (Variation ID: 837936). For these reasons, this variant has been classified as Pathogenic.

Fulgent Genetics
Classification: Likely pathogenic for Eichsfeld type congenital muscular dystrophy. Last evaluated: 2024-01-31. Review status: criteria provided, single submitter. Criteria: ACMG Guidelines, 2015. Collection method: clinical testing. Allele origin: germline.

Women's Health and Genetics/Laboratory Corporation of America, LabCorp
Classification: Likely pathogenic for Eichsfeld type congenital muscular dystrophy. Last evaluated: 2023-02-21. Review status: criteria provided, single submitter. Criteria: LabCorp Variant Classification Summary - May 2015. Collection method: clinical testing. Allele origin: germline.
Comment: Variant summary: SELENON c.481C>T (p.Arg161X) results in a premature termination codon, predicted to cause a truncation of the encoded protein or absence of the protein due to nonsense mediated decay, which are commonly known mechanisms for disease. Truncations downstream of this position have been classified as pathogenic by our laboratory. The variant allele was found at a frequency of 2e-05 in 249494 control chromosomes. c.481C>T has been reported in the literature in one individual affected with Dilated Cardiomyopathy (Burstein_2021). To our knowledge, no experimental evidence demonstrating an impact on protein function has been reported. Three clinical diagnostic laboratories have submitted clinical-significance assessments for this variant to ClinVar after 2014 without evidence for independent evaluation. All laboratories classified the variant as pathogenic (n=2) and likely pathogenic (n=1). Based on the evidence outlined above, the variant was classified as likely pathogenic.

Broad Center for Mendelian Genomics, Broad Institute of MIT and Harvard
Classification: Pathogenic. Last evaluated: 2023-01-24. Review status: criteria provided, single submitter. Criteria: ACMG Guidelines, 2015. Collection method: curation. Allele origin: germline. Inheritance: Autosomal recessive inheritance.
Comment: The p.Arg161Ter variant in SELENON has been reported in 1 individual, in the compound heterozygous state, with SELENON-RM (PMID: 32746448) and has been identified in 0.0099% (1/10070) of Ashkenazi Jewish chromosomes by the Genome Aggregation Database (gnomAD; dbSNP ID: rs778603129). Although this variant has been seen in the general population in a heterozygous state, its frequency is low enough to be consistent with a recessive carrier frequency. This variant has also been reported in ClinVar (Variation ID#: 837936) and has been interpreted as pathogenic by Invitae and likely pathogenic by Al Jalila Children's Genomics Center (Al Jalila Childrens Speciality Hospital). This nonsense variant leads to a premature termination codon at position 161 which is predicted to lead to a truncated or absent protein. Loss of function of the SELENON gene is an established disease mechanism in autosomal recessive SELENON-RM. In summary, this variant meets criteria to be classified as pathogenic for autosomal recessive SELENON-RM. ACMG/AMP Criteria applied: PVS1, PM2_supporting, PM3_supporting (Richards 2015).

Dubai Health Genomic Medicine Center, Dubai Health
Classification: Likely pathogenic for Congenital myopathy 4A, autosomal dominant. Last evaluated: 2020-09-17. Review status: criteria provided, single submitter. Criteria: ACMG Guidelines, 2015. Collection method: clinical testing. Allele origin: germline. Affected: yes.

Literature cited by the submitters: PubMed 21131290 (cited by Labcorp Genetics (formerly Invitae), Labcorp); PubMed 21670436 (cited by Labcorp Genetics (formerly Invitae), Labcorp); PubMed 32746448 (cited by Labcorp Genetics (formerly Invitae), Labcorp and Women's Health and Genetics/Laboratory Corporation of America, LabCorp).